The following is an entry in ClinVar:

NM_016616.5(NME8):c.533C>A (p.Thr178Asn)

Gene: NME8 (NME/NM23 family member 8; plus strand). Cytogenetic location: 7p14.1.
Variant type: single nucleotide variant.
Coding change: c.533C>A on transcript NM_016616.5 (MANE Select); coding-DNA position 533, C replaced by A.
Protein change: p.Thr178Asn; replaces threonine 178 with asparagine.
Molecular consequence: missense variant.
Genome position (GRCh38, 1-based): chr7:37,865,529, C>A. VCF-style: chr7-37865529-C-A. GRCh37 (hg19) VCF-style: chr7-37905131-C-A.
Other names: short protein forms T178N.
Identifiers: ClinVar variation 3766996 (VCV003766996.1).

ClinVar aggregate classification (germline): Uncertain significance (1 of 4 stars; one submission).

Conditions:
Primary ciliary dyskinesia 6. Also called: Primary Ciliary Dyskinesia 6: TXNDC3-Related Primary Ciliary Dyskinesia. Identifiers: Orphanet 244, MedGen C1970506, MONDO:0012571, OMIM 610852.

gnomAD v4.1: 1 of 1,609,348 alleles (0.000062%); highest among the groups gnomAD compares: Non-Finnish European, 0.000085%; no homozygotes.

Submission:

ARUP Laboratories, Molecular Genetics and Genomics, ARUP Laboratories
Classification: Uncertain significance for Primary ciliary dyskinesia 6. Last evaluated: 2024-11-15. Review status: criteria provided, single submitter. Criteria: ARUP Molecular Germline Variant Investigation Process 2024. Collection method: clinical testing. Allele origin: germline.
Comment: The NME8 c.533C>A; p.Thr178Asn variant, to our knowledge, is not reported in the medical literature or gene specific databases. This variant is absent from the Genome Aggregation Database (v2.1.1), indicating it is not a common polymorphism. Computational analyses predict that this variant is neutral (REVEL: 0.045). However, given the lack of clinical and functional data, the significance of this variant is uncertain at this time.